The following is an entry in ClinVar:

ClinVar aggregate classification (germline): Uncertain significance (1 of 4 stars; one submission).

Conditions:
Dyskeratosis congenita. Identifiers: Orphanet 1775, MedGen C0265965, MONDO:0015780.

Submission:

Labcorp Genetics (formerly Invitae), Labcorp
Classification: Uncertain significance for Dyskeratosis congenita. Last evaluated: 2023-02-14. Review status: criteria provided, single submitter. Criteria: Invitae Variant Classification Sherloc (09022015). Collection method: clinical testing. Allele origin: germline.
Comment: Algorithms developed to predict the effect of sequence changes on RNA splicing suggest that this variant may disrupt the consensus splice site. This sequence change falls in intron 6 of the TINF2 gene. It does not directly change the encoded amino acid sequence of the TINF2 protein. This variant is not present in population databases (gnomAD no frequency). This variant has not been reported in the literature in individuals affected with TINF2-related conditions. In summary, the available evidence is currently insufficient to determine the role of this variant in disease. Therefore, it has been classified as a Variant of Uncertain Significance.

NM_001099274.3(TINF2):c.1062-15T>C

Gene: TINF2 (TERF1 interacting nuclear factor 2; minus strand). Cytogenetic location: 14q12.
Variant type: single nucleotide variant.
Coding change: c.1062-15T>C on transcript NM_001099274.3 (MANE Select); 15 bases into the intron before coding-DNA position 1062, T replaced by C.
Molecular consequence: intron variant. On other transcripts: 3 prime UTR variant (1).
Genome position (GRCh38, 1-based): chr14:24,240,345, A>G on the plus strand (T>C on the coding strand, the complement: TINF2 is on the minus strand). VCF-style: chr14-24240345-A-G. GRCh37 (hg19) VCF-style: chr14-24709551-A-G.
Other names: c.*70T>C (NM_012461.3); c.957-15T>C (NM_001363668.2).
Identifiers: ClinVar variation 2837415 (VCV002837415.3), dbSNP rs2502452965, ClinGen allele CA2739277823.
Genomic context (GRCh38, chr14:24,240,345, plus strand): 5'-TAATAATGATAGTCTCAGGGGGTCCATGTAGCAATCCAAGCAATTCCTGAGGTGAGAGCA[A>G]GCAAAGAGGATAGGATGAAGGGAAGGCAGGCAAAGAATGTGCTCCTAGTAAGAAGCAACT-3'